The following is an entry in ClinVar:

ClinVar aggregate classification (germline): Uncertain significance (1 of 4 stars; one submission).

Submission:

Labcorp Genetics (formerly Invitae), Labcorp
Classification: Uncertain significance. Last evaluated: 2019-05-08. Review status: criteria provided, single submitter. Criteria: Invitae Variant Classification Sherloc (09022015). Collection method: clinical testing. Allele origin: germline.
Comment: This sequence change replaces tyrosine with phenylalanine at codon 450 of the KIAA2022 protein (p.Tyr450Phe). The tyrosine residue is highly conserved and there is a small physicochemical difference between tyrosine and phenylalanine. This variant is not present in population databases (ExAC no frequency). This variant has not been reported in the literature in individuals with KIAA2022-related disease. Algorithms developed to predict the effect of missense changes on protein structure and function output the following: SIFT: "Tolerated"; PolyPhen-2: "Benign"; Align-GVGD: "Class C0". The phenylalanine amino acid residue is found in multiple mammalian species, suggesting that this missense change does not adversely affect protein function. These predictions have not been confirmed by published functional studies and their clinical significance is uncertain. In summary, the available evidence is currently insufficient to determine the role of this variant in disease. Therefore, it has been classified as a Variant of Uncertain Significance.

NM_001008537.3(NEXMIF):c.1349A>T (p.Tyr450Phe)

Gene: NEXMIF (neurite extension and migration factor; minus strand). Cytogenetic location: Xq13.3.
Variant type: single nucleotide variant.
Coding change: c.1349A>T on transcript NM_001008537.3 (MANE Select); coding-DNA position 1349, A replaced by T.
Protein change: p.Tyr450Phe; replaces tyrosine 450 with phenylalanine.
Molecular consequence: missense variant.
Genome position (GRCh38, 1-based): chrX:74,743,208, T>A on the plus strand (A>T on the coding strand, the complement: NEXMIF is on the minus strand). VCF-style: chrX-74743208-T-A. GRCh37 (hg19) VCF-style: chrX-73963043-T-A.
Other names: short protein forms Y450F.
Identifiers: ClinVar variation 574336 (VCV000574336.10), dbSNP rs1569335723, ClinGen allele CA413670711.